The following is an entry in ClinVar:

NC_000011.9:g.(108106562_108114679)_(108239830_?)del

Gene: ATM (ATM serine/threonine kinase; plus strand). Cytogenetic location: 11q22.3.
Variant type: Deletion.
Identifiers: ClinVar variation 4536121 (VCV004536121.1).

ClinVar aggregate classification (germline): Pathogenic (1 of 4 stars; one submission).

Conditions:
Ataxia-telangiectasia syndrome (AT). Also called: ATAXIA-TELANGIECTASIA, COMPLEMENTATION GROUP A; ATAXIA-TELANGIECTASIA, FRESNO VARIANT; Ataxia-telangiectasia, complementation group E; AT, COMPLEMENTATION GROUP C; Ataxia telangiectasia (A-T); LOUIS-BAR SYNDROME. Identifiers: Orphanet 100, MedGen C0004135, MONDO:0008840, OMIM 208900.

Submission:

Women's Health and Genetics/Laboratory Corporation of America, LabCorp
Classification: Pathogenic for Ataxia-telangiectasia syndrome. Last evaluated: 2025-09-18. Review status: criteria provided, single submitter. Criteria: LabCorp Variant Classification Summary - May 2015. Collection method: clinical testing. Allele origin: germline.
Comment: Variant summary: The variant involves the deletion of exons 6-63 in the ATM gene. A presumed nomenclature of c.(496+1_497-1)_(*3595_?)del has been designated for the purposes of this classification. The exact breakpoint at the distal 3' end of this variant is unknown, therefore this deletion may extend downstream of the annotated region of the gene. As it encompasses the termination codon, it is predicted to escape nonsense mediated decay (NMD). The variant was absent in 120780 control chromosomes in the gnomAD database (Structural Variants v4.1 dataset). To our knowledge, no occurrence of c.(496+1_497-1)_(*3595_?)del in individuals affected with ATM-related conditions and no experimental evidence demonstrating its impact on protein function have been reported. However, this deletion removes a large part of the coding sequence, and several missense variants have been reported in the deleted region in affected individuals (HGMD), and been classified as pathogenic in ClinVar. ClinVar contains an entry for this variant (Variation ID: 1069829). Based on the evidence outlined above, the variant was classified as pathogenic.